The following is an entry in ClinVar:

ClinVar aggregate classification (germline): Pathogenic/Likely pathogenic. Review status: criteria provided, multiple submitters, no conflicts (2 of 4 stars). 2 submissions from 2 submitters: Pathogenic (1); Likely pathogenic (1). Last evaluated 2025-11-11.

Conditions:
CABP4-related disorder. Also called: CABP4-related condition.

Submissions (2):

Labcorp Genetics (formerly Invitae), Labcorp
Classification: Pathogenic. Last evaluated: 2025-11-11. Review status: criteria provided, single submitter. Criteria: Invitae Variant Classification Sherloc (09022015). Collection method: clinical testing. Allele origin: germline.
Comment: This sequence change creates a premature translational stop signal (p.Glu139*) in the CABP4 gene. It is expected to result in an absent or disrupted protein product. Loss-of-function variants in CABP4 are known to be pathogenic (PMID: 25307992). This variant is present in population databases (no rsID available, gnomAD 0.002%). This variant has not been reported in the literature in individuals affected with CABP4-related conditions. For these reasons, this variant has been classified as Pathogenic.

Blueprint Genetics
Classification: Likely pathogenic for CABP4-related disorders. Last evaluated: 2022-04-04. Review status: criteria provided, single submitter. Criteria: ACMG Guidelines, 2015. Collection method: clinical testing. Allele origin: germline. Affected: yes. Observed: 2 variant alleles.

Literature cited by the submitters: PubMed 25307992 (cited by Labcorp Genetics (formerly Invitae), Labcorp).

NM_145200.5(CABP4):c.415G>T (p.Glu139Ter)

Gene: CABP4 (calcium binding protein 4; plus strand). Cytogenetic location: 11q13.2.
Variant type: single nucleotide variant.
Coding change: c.415G>T on transcript NM_145200.5 (MANE Select); coding-DNA position 415, G replaced by T.
Protein change: p.Glu139Ter; replaces glutamic acid 139 with a stop codon.
Molecular consequence: nonsense.
Genome position (GRCh38, 1-based): chr11:67,456,316, G>T. VCF-style: chr11-67456316-G-T. GRCh37 (hg19) VCF-style: chr11-67223787-G-T.
Other names: c.100G>T, p.Glu34Ter (NM_001300895.3, NM_001300896.3, NM_001379183.1); short protein forms E139*, E34*.
Identifiers: ClinVar variation 4744253 (VCV004744253.2).